The following is an entry in ClinVar:

NM_001384474.1(LOXHD1):c.4006G>T (p.Val1336Leu)

Gene: LOXHD1 (lipoxygenase homology PLAT domains 1; minus strand). Cytogenetic location: 18q21.1.
Variant type: single nucleotide variant.
Coding change: c.4006G>T on transcript NM_001384474.1 (MANE Select); coding-DNA position 4006, G replaced by T.
Protein change: p.Val1336Leu; replaces valine 1336 with leucine.
Molecular consequence: missense variant.
Genome position (GRCh38, 1-based): chr18:46,538,245, C>A on the plus strand (G>T on the coding strand, the complement: LOXHD1 is on the minus strand). VCF-style: chr18-46538245-C-A. GRCh37 (hg19) VCF-style: chr18-44118208-C-A.
Other names: c.673G>T, p.Val225Leu (NM_001145472.3); c.385G>T, p.Val129Leu (NM_001308013.2); c.4006G>T, p.Val1336Leu (NM_144612.7); short protein forms V129L, V1336L, V225L.
Identifiers: ClinVar variation 1048813 (VCV001048813.5), dbSNP rs149068207, ClinGen allele CA8952401.
Genomic context (GRCh38, chr18:46,538,245, plus strand): 5'-TCTCAAAGAACTGCTTCTGTTCCCTCTTGTTGGTACACAGATACTTCTGCTGGGTGCACA[C>A]GGCATCGCAGCCATAGATGATGATGAAGATGTTGGCATCTGTCCCAGCAGCAAAGACATC-3'
Protein context (NP_001371403.1, residues 1326-1346): IFIIIYGCDA[Val1336Leu]CTQQKYLCTN

ClinVar aggregate classification (germline): Uncertain significance. Review status: criteria provided, multiple submitters, no conflicts (2 of 4 stars). 4 submissions from 4 submitters: Uncertain significance (3). 1 of the submissions does not count toward it. Last evaluated 2024-11-13.

Allele frequency attached by ClinVar (database versions not stated): ESP Exome Variant Server 0.00022; 1000 Genomes Project 0.00060; 1000 Genomes Project 30x 0.00094.
gnomAD v4.1: 95 of 1,551,298 alleles (0.0061%); highest among the groups gnomAD compares: African/African-American, 0.11%; 1 homozygote.

Submissions (4):

Blueprint Genetics
Classification: Uncertain significance. Last evaluated: 2024-11-13. Review status: criteria provided, single submitter. Criteria: ACMG Guidelines, 2015. Collection method: clinical testing. Allele origin: germline.

Labcorp Genetics (formerly Invitae), Labcorp
Classification: Uncertain significance. Last evaluated: 2022-07-06. Review status: criteria provided, single submitter. Criteria: Invitae Variant Classification Sherloc (09022015). Collection method: clinical testing. Allele origin: germline.
Comment: This sequence change replaces valine, which is neutral and non-polar, with leucine, which is neutral and non-polar, at codon 1336 of the LOXHD1 protein (p.Val1336Leu). This variant is present in population databases (rs149068207, gnomAD 0.1%). This variant has not been reported in the literature in individuals affected with LOXHD1-related conditions. ClinVar contains an entry for this variant (Variation ID: 1048813). Algorithms developed to predict the effect of missense changes on protein structure and function output the following: SIFT: "Deleterious"; PolyPhen-2: "Benign"; Align-GVGD: "Class C0". The leucine amino acid residue is found in multiple mammalian species, which suggests that this missense change does not adversely affect protein function. In summary, the available evidence is currently insufficient to determine the role of this variant in disease. Therefore, it has been classified as a Variant of Uncertain Significance.

Breakthrough Genomics
Classification: Uncertain significance. Review status: criteria provided, single submitter. Criteria: ACMG Guidelines, 2015. Collection method: not provided. Allele origin: germline. Inheritance: Autosomal recessive inheritance. Affected: yes.

Department of Pathology and Laboratory Medicine, Sinai Health System
Classification: Uncertain significance. Review status: no assertion criteria provided. Collection method: clinical testing. Allele origin: unknown. Affected: yes. Study: The Canadian Open Genetics Repository (COGR). Not counted in ClinVar's aggregate classification.
Comment: The LOXHD1 p.Val1336Leu variant was not identified in the literature nor was it identified in ClinVar, Cosmic and LOVD 3.0. The variant was identified in dbSNP (ID: rs149068207) and was also identified in control databases in 23 of 188398 chromosomes at a frequency of 0.000122 (Genome Aggregation Database Feb 27, 2017). The variant was observed in the following populations: African in 19 of 17412 chromosomes (freq: 0.001091), Latino in 3 of 25600 chromosomes (freq: 0.000117) and European (non-Finnish) in 1 of 75954 chromosomes (freq: 0.000013), while the variant was not observed in the Ashkenazi Jewish, East Asian, European (Finnish), Other, and South Asian populations. The p.Val1336 residue is conserved in mammals and computational analyses (PolyPhen-2, SIFT, AlignGVGD, BLOSUM, MutationTaster) provide inconsistent predictions regarding the impact to the protein; this information is not very predictive of pathogenicity. The variant occurs outside of the splicing consensus sequence and in silico or computational prediction software programs (SpliceSiteFinder, MaxEntScan, NNSPLICE, GeneSplicer) do not predict a difference in splicing. In summary, based on the above information the clinical significance of this variant cannot be determined with certainty at this time. This variant is classified as a variant of uncertain significance.